The following is an entry in ClinVar:

ClinVar aggregate classification (germline): Pathogenic/Likely pathogenic. Review status: criteria provided, multiple submitters, no conflicts (2 of 4 stars). 2 submissions from 2 submitters: Pathogenic (1); Likely pathogenic (1). Last evaluated 2025-08-14.

Conditions:
ATP7A-related disorder. Also called: ATP7A-related condition.
Menkes kinky-hair syndrome (MNK). Also called: Copper transport disease; Classic Menkes Disease; Menkes Disease. Identifiers: Orphanet 565, MedGen C0022716, MONDO:0010651, OMIM 309400.

Submissions (2):

PreventionGenetics, part of Exact Sciences
Classification: Likely pathogenic for ATP7A-related condition. Last evaluated: 2025-08-14. Review status: criteria provided, single submitter. Criteria: ACMG Guidelines, 2015. Collection method: clinical testing. Allele origin: germline.
Comment: The ATP7A c.3920C>G variant is predicted to result in the amino acid substitution p.Pro1307Arg. This variant has not been reported in the literature or in a large population database (gnomAD), indicating this variant is rare. This variant is interpreted as likely pathogenic.

Genetic Services Laboratory, University of Chicago
Classification: Pathogenic for Menkes disease. Last evaluated: 2013-02-08. Review status: criteria provided, single submitter. Criteria: ACMG Guidelines, 2007. Collection method: clinical testing. Allele origin: germline. Affected: yes.

NM_000052.7(ATP7A):c.3920C>G (p.Pro1307Arg)

Gene: ATP7A (ATPase copper transporting alpha; plus strand). Cytogenetic location: Xq21.1.
Variant type: single nucleotide variant.
Coding change: c.3920C>G on transcript NM_000052.7 (MANE Select); coding-DNA position 3920, C replaced by G.
Protein change: p.Pro1307Arg; replaces proline 1307 with arginine.
Molecular consequence: missense variant. On other transcripts: non-coding transcript variant (1).
Genome position (GRCh38, 1-based): chrX:78,042,703, C>G. VCF-style: chrX-78042703-C-G. GRCh37 (hg19) VCF-style: chrX-77298201-C-G.
Other names: c.3686C>G, p.Pro1229Arg (NM_001282224.2); c.3920C>G (NM_000052.6); short protein forms P1307R, P1229R.
Identifiers: ClinVar variation 210464 (VCV000210464.7), dbSNP rs797045388, ClinGen allele CA276967.
Genomic context (GRCh38, chrX:78,042,703, plus strand): 5'-AGCAACTTCAAGAGGAGGGGAAACGGGTAGCAATGGTGGGAGATGGAATCAATGACTCCC[C>G]AGCTCTGGCAATGGCTAATGTGGGAATTGCTATTGGCACAGGCACAGATGTAGCCATTGA-3'
Protein context (NP_000043.4, residues 1297-1317): AMVGDGINDS[Pro1307Arg]ALAMANVGIA